The following is an entry in ClinVar:

ClinVar aggregate classification (germline): Uncertain significance. Review status: criteria provided, single submitter (1 of 4 stars). 2 submissions from 2 submitters: Uncertain significance (1). 1 of the submissions does not count toward it. Last evaluated 2024-08-28.

Conditions:
BRWD3-related disorder. Also called: BRWD3-related condition.

Submissions (2):

Labcorp Genetics (formerly Invitae), Labcorp
Classification: Uncertain significance. Last evaluated: 2024-08-28. Review status: criteria provided, single submitter. Criteria: Invitae Variant Classification Sherloc (09022015). Collection method: clinical testing. Allele origin: germline.
Comment: This sequence change replaces valine, which is neutral and non-polar, with isoleucine, which is neutral and non-polar, at codon 1237 of the BRWD3 protein (p.Val1237Ile). This variant is not present in population databases (gnomAD no frequency). This variant has not been reported in the literature in individuals affected with BRWD3-related conditions. Invitae Evidence Modeling of protein sequence and biophysical properties (such as structural, functional, and spatial information, amino acid conservation, physicochemical variation, residue mobility, and thermodynamic stability) indicates that this missense variant is not expected to disrupt BRWD3 protein function with a negative predictive value of 80%. In summary, the available evidence is currently insufficient to determine the role of this variant in disease. Therefore, it has been classified as a Variant of Uncertain Significance.

PreventionGenetics, part of Exact Sciences
Classification: Uncertain significance for BRWD3-related condition. Last evaluated: 2024-04-30. Review status: no assertion criteria provided. Collection method: clinical testing. Allele origin: germline. Not counted in ClinVar's aggregate classification.
Comment: The BRWD3 c.3709G>A variant is predicted to result in the amino acid substitution p.Val1237Ile. To our knowledge, this variant has not been reported in the literature or in a large population database, indicating this variant is rare. At this time, the clinical significance of this variant is uncertain due to the absence of conclusive functional and genetic evidence.

NM_153252.5(BRWD3):c.3709G>A (p.Val1237Ile)

Gene: BRWD3 (bromodomain and WD repeat domain containing 3; minus strand). Cytogenetic location: Xq21.1.
Variant type: single nucleotide variant.
Coding change: c.3709G>A on transcript NM_153252.5 (MANE Select); coding-DNA position 3709, G replaced by A.
Protein change: p.Val1237Ile; replaces valine 1237 with isoleucine.
Molecular consequence: missense variant.
Genome position (GRCh38, 1-based): chrX:80,689,986, C>T on the plus strand (G>A on the coding strand, the complement: BRWD3 is on the minus strand). VCF-style: chrX-80689986-C-T. GRCh37 (hg19) VCF-style: chrX-79945485-C-T.
Other names: short protein forms V1237I.
Identifiers: ClinVar variation 3346312 (VCV003346312.3).
Genomic context (GRCh38, chrX:80,689,986, plus strand): 5'-ACCTTAAGTTAGACTCTCTGGAAGCTAAAACTGCTTCTTACCCAATAAATCGAAGTAAGA[C>T]ATCAGTTACAATTTTAGCTGCTTTAACTATAGGACTGTCTGGCTCATTGAAAGTCCTGGC-3'
Protein context (NP_694984.5, residues 1227-1247): IVKAAKIVTD[Val1237Ile]LLRFIGDQSC